The following is an entry in ClinVar:

ClinVar aggregate classification (germline): Uncertain significance (1 of 4 stars; one submission).

Allele frequency attached by ClinVar (database versions not stated): TOPMed below 0.00001; ExAC 0.00001; gnomAD 0.00001.
gnomAD v4.1: 41 of 1,610,944 alleles (0.0025%); highest among the groups gnomAD compares: Admixed American, 0.0034%; no homozygotes.

Submission:

Labcorp Genetics (formerly Invitae), Labcorp
Classification: Uncertain significance. Last evaluated: 2024-09-25. Review status: criteria provided, single submitter. Criteria: Invitae Variant Classification Sherloc (09022015). Collection method: clinical testing. Allele origin: germline.
Comment: This sequence change replaces cysteine, which is neutral and slightly polar, with tyrosine, which is neutral and polar, at codon 498 of the TNNI3K protein (p.Cys498Tyr). This variant is present in population databases (rs771608495, gnomAD 0.003%). This variant has not been reported in the literature in individuals affected with TNNI3K-related conditions. ClinVar contains an entry for this variant (Variation ID: 2177658). Invitae Evidence Modeling of protein sequence and biophysical properties (such as structural, functional, and spatial information, amino acid conservation, physicochemical variation, residue mobility, and thermodynamic stability) indicates that this missense variant is not expected to disrupt TNNI3K protein function with a negative predictive value of 80%. In summary, the available evidence is currently insufficient to determine the role of this variant in disease. Therefore, it has been classified as a Variant of Uncertain Significance.

NM_015978.3(TNNI3K):c.1493G>A (p.Cys498Tyr)

Genes: FPGT-TNNI3K (FPGT-TNNI3K readthrough; plus strand), TNNI3K (TNNI3 interacting kinase; plus strand). Cytogenetic location: 1p31.1.
Variant type: single nucleotide variant.
Coding change: c.1493G>A on transcript NM_015978.3 (MANE Select); coding-DNA position 1493, G replaced by A.
Protein change: p.Cys498Tyr; replaces cysteine 498 with tyrosine.
Molecular consequence: missense variant.
Genome position (GRCh38, 1-based): chr1:74,369,411, G>A. VCF-style: chr1-74369411-G-A. GRCh37 (hg19) VCF-style: chr1-74835095-G-A.
Other names: c.1796G>A, p.Cys599Tyr (NM_001112808.3, NM_001199327.2); short protein forms C599Y, C498Y.
Identifiers: ClinVar variation 2177658 (VCV002177658.4), dbSNP rs771608495, ClinGen allele CA909318.